The following is an entry in ClinVar:

ClinVar aggregate classification (germline): Uncertain significance (1 of 4 stars; one submission).

Conditions:
Peutz-Jeghers syndrome (PJS). Also called: Peutz-Jeghers polyposis; Periorificial lentiginosis syndrome; POLYPOSIS, HAMARTOMATOUS INTESTINAL; POLYPS-AND-SPOTS SYNDROME. Identifiers: Orphanet 2869, MedGen C0031269, MeSH D010580, MONDO:0008280, OMIM 175200.

Submission:

Labcorp Genetics (formerly Invitae), Labcorp
Classification: Uncertain significance for Peutz-Jeghers syndrome. Last evaluated: 2022-06-13. Review status: criteria provided, single submitter. Criteria: Invitae Variant Classification Sherloc (09022015). Collection method: clinical testing. Allele origin: germline.
Comment: In summary, the available evidence is currently insufficient to determine the role of this variant in disease. Therefore, it has been classified as a Variant of Uncertain Significance. Advanced modeling of protein sequence and biophysical properties (such as structural, functional, and spatial information, amino acid conservation, physicochemical variation, residue mobility, and thermodynamic stability) performed at Invitae indicates that this missense variant is expected to disrupt STK11 protein function. This variant has not been reported in the literature in individuals affected with STK11-related conditions. This variant is not present in population databases (gnomAD no frequency). This sequence change replaces leucine, which is neutral and non-polar, with methionine, which is neutral and non-polar, at codon 228 of the STK11 protein (p.Leu228Met).

NM_000455.5(STK11):c.682C>A (p.Leu228Met)

Gene: STK11 (serine/threonine kinase 11; plus strand). Cytogenetic location: 19p13.3.
Variant type: single nucleotide variant.
Coding change: c.682C>A on transcript NM_000455.5 (MANE Select); coding-DNA position 682, C replaced by A.
Protein change: p.Leu228Met; replaces leucine 228 with methionine.
Molecular consequence: missense variant.
Genome position (GRCh38, 1-based): chr19:1,220,665, C>A. VCF-style: chr19-1220665-C-A. GRCh37 (hg19) VCF-style: chr19-1220664-C-A.
Other names: c.682C>A, p.Leu228Met (NM_001407255.1); short protein forms L228M.
Identifiers: ClinVar variation 2167501 (VCV002167501.4), dbSNP rs1599926930, ClinGen allele CA402949765.